The following is an entry in ClinVar:

ClinVar aggregate classification (germline): Uncertain significance (1 of 4 stars; one submission).

Submission:

GeneDx
Classification: Uncertain significance. Last evaluated: 2026-04-14. Review status: criteria provided, single submitter. Criteria: GeneDx Variant Classification Process June 2021. Collection method: clinical testing. Allele origin: germline.
Comment: Not observed at significant frequency in large population cohorts (gnomAD); In silico analysis suggests that this variant does not alter splicing; Has not been previously published as pathogenic or benign to our knowledge

NM_213649.2(SFXN4):c.6C>T (p.Ser2=)

Genes: SFXN4 (sideroflexin 4; minus strand), LOC130004825 (ATAC-STARR-seq lymphoblastoid silent region 2869; plus strand). Cytogenetic location: 10q26.11.
Variant type: single nucleotide variant.
Coding change: c.6C>T on transcript NM_213649.2 (MANE Select); coding-DNA position 6, C replaced by T.
Protein change: p.Ser2=; no amino-acid change (serine 2 retained).
Molecular consequence: synonymous variant. On other transcripts: non-coding transcript variant (1).
Genome position (GRCh38, 1-based): chr10:119,165,642, G>A on the plus strand (C>T on the coding strand, the complement: SFXN4 is on the minus strand). VCF-style: chr10-119165642-G-A. GRCh37 (hg19) VCF-style: chr10-120925154-G-A.
Identifiers: ClinVar variation 5037043 (VCV005037043.1).